The following is an entry in ClinVar:

NM_003839.4(TNFRSF11A):c.997A>C (p.Thr333Pro)

Gene: TNFRSF11A (TNF receptor superfamily member 11a; plus strand). Cytogenetic location: 18q21.33.
Variant type: single nucleotide variant.
Coding change: c.997A>C on transcript NM_003839.4 (MANE Select); coding-DNA position 997, A replaced by C.
Protein change: p.Thr333Pro; replaces threonine 333 with proline.
Molecular consequence: missense variant. On other transcripts: intron variant (3).
Genome position (GRCh38, 1-based): chr18:62,368,914, A>C. VCF-style: chr18-62368914-A-C. GRCh37 (hg19) VCF-style: chr18-60036147-A-C.
Other names: c.955A>C, p.Thr319Pro (NM_001278268.2); c.783+2154A>C (NM_001270949.2); c.730+7121A>C (NM_001270950.2); c.616+8865A>C (NM_001270951.2); short protein forms T319P, T333P.
Identifiers: ClinVar variation 3612782 (VCV003612782.2).

ClinVar aggregate classification (germline): Uncertain significance (1 of 4 stars; one submission).

gnomAD v4.1: 1 of 1,614,246 alleles (0.000062%); highest among the groups gnomAD compares: Admixed American, 0.0017%; no homozygotes.

Submission:

Labcorp Genetics (formerly Invitae), Labcorp
Classification: Uncertain significance. Last evaluated: 2024-02-06. Review status: criteria provided, single submitter. Criteria: Invitae Variant Classification Sherloc (09022015). Collection method: clinical testing. Allele origin: germline.
Comment: This sequence change replaces threonine, which is neutral and polar, with proline, which is neutral and non-polar, at codon 333 of the TNFRSF11A protein (p.Thr333Pro). This variant is present in population databases (no rsID available, gnomAD 0.003%). This variant has not been reported in the literature in individuals affected with TNFRSF11A-related conditions. An algorithm developed to predict the effect of missense changes on protein structure and function (PolyPhen-2) suggests that this variant is likely to be tolerated. In summary, the available evidence is currently insufficient to determine the role of this variant in disease. Therefore, it has been classified as a Variant of Uncertain Significance.